The following is an entry in ClinVar:

ClinVar aggregate classification (germline): Uncertain significance. Review status: criteria provided, multiple submitters, no conflicts (2 of 4 stars). 3 submissions from 3 submitters: Uncertain significance (3). Last evaluated 2024-11-21.

Conditions:
Hereditary cancer-predisposing syndrome. Also called: Tumor predisposition; Hereditary neoplastic syndrome; Neoplastic Syndromes, Hereditary; Hereditary Cancer Syndrome. Identifiers: Orphanet 140162, MedGen C0027672, MeSH D009386, MONDO:0015356.
Fanconi anemia complementation group O. Also called: RAD51C-Related Fanconi Anemia. Identifiers: Orphanet 84, MedGen C3150653, MONDO:0013248, OMIM 613390.

Allele frequency attached by ClinVar (database versions not stated): gnomAD exomes below 0.00001.
gnomAD v4.1: 1 of 1,608,884 alleles (0.000062%); highest among the groups gnomAD compares: East Asian, 0.0022%; no homozygotes.

Submissions (3):

Labcorp Genetics (formerly Invitae), Labcorp
Classification: Uncertain significance for Fanconi anemia complementation group O. Last evaluated: 2024-11-21. Review status: criteria provided, single submitter. Criteria: Invitae Variant Classification Sherloc (09022015). Collection method: clinical testing. Allele origin: germline.
Comment: This sequence change replaces aspartic acid, which is acidic and polar, with glycine, which is neutral and non-polar, at codon 242 of the RAD51C protein (p.Asp242Gly). This variant is not present in population databases (gnomAD no frequency). This variant has not been reported in the literature in individuals affected with RAD51C-related conditions. ClinVar contains an entry for this variant (Variation ID: 927198). Invitae Evidence Modeling of protein sequence and biophysical properties (such as structural, functional, and spatial information, amino acid conservation, physicochemical variation, residue mobility, and thermodynamic stability) indicates that this missense variant is expected to disrupt RAD51C protein function with a positive predictive value of 80%. In summary, the available evidence is currently insufficient to determine the role of this variant in disease. Therefore, it has been classified as a Variant of Uncertain Significance.

Ambry Genetics
Classification: Uncertain significance for Hereditary cancer-predisposing syndrome. Last evaluated: 2023-07-05. Review status: criteria provided, single submitter. Criteria: Ambry Variant Classification Scheme 2023. Collection method: clinical testing. Allele origin: germline.
Comment: The p.D242G variant (also known as c.725A>G), located in coding exon 5 of the RAD51C gene, results from an A to G substitution at nucleotide position 725. The aspartic acid at codon 242 is replaced by glycine, an amino acid with similar properties. This amino acid position is conserved. In addition, this alteration is predicted to be deleterious by in silico analysis. Since supporting evidence is limited at this time, the clinical significance of this alteration remains unclear.

Color Diagnostics, LLC DBA Color Health
Classification: Uncertain significance for Hereditary cancer-predisposing syndrome. Last evaluated: 2023-06-20. Review status: criteria provided, single submitter. Criteria: ACMG Guidelines, 2015. Collection method: clinical testing. Allele origin: germline.
Comment: This missense variant replaces aspartic acid with glycine at codon 242 of the RAD51C protein. Computational prediction suggests that this variant may have deleterious impact on protein structure and function (internally defined REVEL score threshold >= 0.7, PMID: 27666373). To our knowledge, functional studies have not been reported for this variant. This variant has not been reported in individuals affected with hereditary cancer in the literature. This variant has not been identified in the general population by the Genome Aggregation Database (gnomAD). The available evidence is insufficient to determine the role of this variant in disease conclusively. Therefore, this variant is classified as a Variant of Uncertain Significance.

NM_058216.3(RAD51C):c.725A>G (p.Asp242Gly)

Gene: RAD51C (RAD51 paralog C; plus strand). Cytogenetic location: 17q22.
Variant type: single nucleotide variant.
Coding change: c.725A>G on transcript NM_058216.3 (MANE Select); coding-DNA position 725, A replaced by G.
Protein change: p.Asp242Gly; replaces aspartic acid 242 with glycine.
Molecular consequence: missense variant. On other transcripts: non-coding transcript variant (1).
Genome position (GRCh38, 1-based): chr17:58,709,878, A>G. VCF-style: chr17-58709878-A-G. GRCh37 (hg19) VCF-style: chr17-56787239-A-G.
Other names: c.725A>G (NM_058216.1); short protein forms D242G.
Identifiers: ClinVar variation 927198 (VCV000927198.15), dbSNP rs2048494505, ClinGen allele CA400353294.
Genomic context (GRCh38, chr17:58,709,878, plus strand): 5'-ATTTTTCGTAACAAATCTAATATTATCTCTTCTGTATTTAGGTTCGACTAGTGATAGTGG[A>G]TGGTATTGCTTTTCCATTTCGTCATGACCTAGATGACCTGTCTCTTCGTACTCGGTTATT-3'
Protein context (NP_478123.1, residues 232-252): EHSKVRLVIV[Asp242Gly]GIAFPFRHDL